The following is an entry in ClinVar:

ClinVar aggregate classification (germline): Uncertain significance. Review status: criteria provided, single submitter (1 of 4 stars). 2 submissions from 1 submitter: Uncertain significance (2). Last evaluated 2016-01-01.

Conditions:
Optic atrophy 9 (OPA9). Identifiers: MedGen C4225384, MONDO:0014571, OMIM 616289.
Neurodegeneration. Also called: Neurodegenerative disease; Neurodegenerative illness; neurodegenerative disorder. Identifiers: MedGen C0027746, MONDO:0005559, HP:0002180.
Brain atrophy. Identifiers: MedGen C4551584, HP:0012444.
Global developmental delay (DD). Also called: Cognitive delay. Identifiers: MedGen C0557874, HP:0001263. Disease mechanism: loss of function.
Progressive microcephaly. Identifiers: MedGen C1850456, HP:0000253.
Central hypoventilation. Identifiers: MedGen C3805839, HP:0007110.

Allele frequency attached by ClinVar (database versions not stated): gnomAD exomes below 0.00001.
gnomAD v4.1: 4 of 1,613,830 alleles (0.00025%); highest among the groups gnomAD compares: Non-Finnish European, 0.00034%; no homozygotes.

Submissions (2):

Centre for Mendelian Genomics, University Medical Centre Ljubljana
Classification: Uncertain significance for Optic atrophy 9. Last evaluated: 2016-01-01. Review status: criteria provided, single submitter. Criteria: ACMG Guidelines, 2015. Collection method: clinical testing. Allele origin: unknown. Affected: yes.
Comment: This variant was classified as: Uncertain significance.

Centre for Mendelian Genomics, University Medical Centre Ljubljana
Classification: Uncertain significance for Brain atrophy; Central hypoventilation; Global developmental delay; Neurodegeneration; Progressive microcephaly. Last evaluated: 2015-10-06. Review status: criteria provided, single submitter. Criteria: ACMG Guidelines, 2015. Collection method: clinical testing. Allele origin: unknown. Affected: yes.

NM_001098.3(ACO2):c.75C>T (p.Val25=)

Gene: ACO2 (aconitase 2; plus strand). Cytogenetic location: 22q13.2.
Variant type: single nucleotide variant.
Coding change: c.75C>T on transcript NM_001098.3 (MANE Select); coding-DNA position 75, C replaced by T.
Protein change: p.Val25=; no amino-acid change (valine 25 retained).
Molecular consequence: synonymous variant.
Genome position (GRCh38, 1-based): chr22:41,499,764, C>T. VCF-style: chr22-41499764-C-T. GRCh37 (hg19) VCF-style: chr22-41895768-C-T.
Identifiers: ClinVar variation 374009 (VCV000374009.4), dbSNP rs1057518833, ClinGen allele CA16043572.